The following is an entry in ClinVar:

ClinVar aggregate classification (germline): Benign. Review status: criteria provided, multiple submitters, no conflicts (2 of 4 stars). 5 submissions from 5 submitters: Benign (5). Last evaluated 2026-02-01.

Allele frequency attached by ClinVar (database versions not stated): gnomAD exomes 0.05800 and 0.05666; ExAC 0.05886; gnomAD 0.05988 and 0.06161; TOPMed 0.05993; 1000 Genomes Project 0.03954; 1000 Genomes Project 30x 0.04138; ESP Exome Variant Server 0.05512.

Submissions (5):

Labcorp Genetics (formerly Invitae), Labcorp
Classification: Benign. Last evaluated: 2026-02-01. Review status: criteria provided, single submitter. Criteria: Invitae Variant Classification Sherloc (09022015). Collection method: clinical testing. Allele origin: germline.

Mayo Clinic Laboratories, Mayo Clinic
Classification: Benign. Last evaluated: 2020-10-02. Review status: criteria provided, single submitter. Criteria: ACMG Guidelines, 2015. Collection method: clinical testing. Allele origin: germline. Observed: 16 variant alleles.

GeneDx
Classification: Benign. Last evaluated: 2018-06-12. Review status: criteria provided, single submitter. Criteria: GeneDx Variant Classification Process June 2021. Collection method: clinical testing. Allele origin: germline. Affected: yes.

Laboratory for Molecular Medicine, Mass General Brigham Personalized Medicine
Classification: Benign. Last evaluated: 2012-11-20. Review status: criteria provided, single submitter. Criteria: LMM Criteria. Collection method: clinical testing. Allele origin: germline. Observed: 174 variant alleles.
Comment: 5488-7delG in intron 13 of TRIOBP: This variant is not expected to have clinical significance because it has been identified in 4.5% (97/2178) of chromosomes fr om a broad population (1000Genomes; dbSNP rs34655947)

PreventionGenetics, part of Exact Sciences
Classification: Benign. Review status: criteria provided, single submitter. Criteria: ACMG Guidelines, 2015. Collection method: clinical testing. Allele origin: germline.

NM_001039141.3(TRIOBP):c.5488-7del

Genes: TRIOBP (TRIO and F-actin binding protein; plus strand), LOC126863145 (CDK7 strongly-dependent group 2 enhancer GRCh37_chr22:38150829-38152028; plus strand). Cytogenetic location: 22q13.1.
Variant type: Deletion.
Coding change: c.5488-7del on transcript NM_001039141.3 (MANE Select); 7 bases into the intron before coding-DNA position 5488, one base deleted (G; older notation c.5488-7delG).
Molecular consequence: intron variant.
Genome position (GRCh38, 1-based): chr22:37,755,094, G deleted. VCF-style (leftmost placement, unchanged base first): chr22-37755093-TG-T. GRCh37 (hg19) VCF-style: chr22-38151100-TG-T.
Other names: p.?; c.349-7del (NM_007032.5, NM_138632.2).
Identifiers: ClinVar variation 43861 (VCV000043861.16), dbSNP rs34655947, ClinGen allele CA133045.